The following is an entry in ClinVar:

NM_001127208.3(TET2):c.3409+15T>A

Genes: TET2 (tet methylcytosine dioxygenase 2; plus strand), TET2-AS1 (TET2 antisense RNA 1; minus strand). Cytogenetic location: 4q24.
Variant type: single nucleotide variant.
Coding change: c.3409+15T>A on transcript NM_001127208.3 (MANE Select); 15 bases into the intron after coding-DNA position 3409, T replaced by A.
Molecular consequence: intron variant. On other transcripts: missense variant (1).
Genome position (GRCh38, 1-based): chr4:105,237,366, T>A. VCF-style: chr4-105237366-T-A. GRCh37 (hg19) VCF-style: chr4-106158523-T-A.
Other names: c.3424T>A, p.Cys1142Ser (NM_017628.4); short protein forms C1142S.
Identifiers: ClinVar variation 135329 (VCV000135329.6), dbSNP rs192879693, ClinGen allele CA162404.

ClinVar aggregate classification (germline): Conflicting classifications of pathogenicity. Review status: criteria provided, conflicting classifications (1 of 4 stars). 3 submissions from 3 submitters: Uncertain significance (1); Likely benign (1). 1 of the submissions does not count toward it. Last evaluated 2025-09-10.

Conditions:
TET2-related disorder. Also called: TET2-related condition.

Allele frequency attached by ClinVar (database versions not stated): TOPMed 0.00051; ExAC 0.00004; 1000 Genomes Project 30x 0.00031; gnomAD 0.00031; 1000 Genomes Project 0.00040.
gnomAD v4.1: 116 of 1,614,100 alleles (0.0072%); highest among the groups gnomAD compares: Admixed American, 0.19%; 1 homozygote.

Submissions (3):

Labcorp Genetics (formerly Invitae), Labcorp
Classification: Likely benign. Last evaluated: 2025-09-10. Review status: criteria provided, single submitter. Criteria: Invitae Variant Classification Sherloc (09022015). Collection method: clinical testing. Allele origin: germline.

PreventionGenetics, part of Exact Sciences
Classification: Uncertain significance for TET2-related condition. Last evaluated: 2023-09-22. Review status: criteria provided, single submitter. Criteria: ACMG Guidelines, 2015. Collection method: clinical testing. Allele origin: germline.
Comment: The TET2 c.3424T>A variant is predicted to result in the amino acid substitution p.Cys1142Ser. This variant was observed in a healthy cohort in a study of variants in cancer-susceptibility genes (Table S1, Bodian et al. 2014. PubMed ID: 24728327). This variant is listed as likely benign in ClinVar. This variant is intronic in an alternative transcript (NM_001127208:c.3409+15T>A). This variant is reported in 0.12% of alleles in individuals of Latino descent in gnomAD. Although we suspect that this variant may be benign, at this time, the clinical significance of this variant is uncertain due to the absence of conclusive functional and genetic evidence.

ITMI
No classification provided. Condition: AllHighlyPenetrant. Last evaluated: 2013-09-19. Review status: no classification provided. Collection method: reference population. Allele origin: germline. Not counted in ClinVar's aggregate classification.
Comment: Please see associated publication for description of ethnicities

Literature cited by the submitters: PubMed 24728327 (cited by ITMI).